The following is an entry in ClinVar:

NM_024753.5(TTC21B):c.2881C>T (p.Leu961Phe)

Gene: TTC21B (tetratricopeptide repeat domain 21B; minus strand). Cytogenetic location: 2q24.3.
Variant type: single nucleotide variant.
Coding change: c.2881C>T on transcript NM_024753.5 (MANE Select); coding-DNA position 2881, C replaced by T.
Protein change: p.Leu961Phe; replaces leucine 961 with phenylalanine.
Molecular consequence: missense variant.
Genome position (GRCh38, 1-based): chr2:165,898,755, G>A on the plus strand (C>T on the coding strand, the complement: TTC21B is on the minus strand). VCF-style: chr2-165898755-G-A. GRCh37 (hg19) VCF-style: chr2-166755265-G-A.
Other names: c.2881C>T (NM_024753.4); short protein forms L961F.
Identifiers: ClinVar variation 3463247 (VCV003463247.2).
Genomic context (GRCh38, chr2:165,898,755, plus strand): 5'-GTTCTAAAAGCTGCTGTAAATGAAACACTGCTTGTTCATAGTCTTGTTTTCTGAACATGA[G>A]ATCAGCCATCATCTATAAAGATAAAAGTTGGTTCTAAAAATATTGCCATGTATTTTACAC-3'
Protein context (NP_079029.3, residues 951-971): NEAATMMMAD[Leu961Phe]MFRKQDYEQA

ClinVar aggregate classification (germline): Uncertain significance. Review status: criteria provided, multiple submitters, no conflicts (2 of 4 stars). 2 submissions from 2 submitters: Uncertain significance (2). Last evaluated 2025-06-25.

Conditions:
TTC21B-related disorder. Also called: TTC21B-related disorders; TTC21B-related condition.
Inborn genetic diseases. Identifiers: MedGen C0950123, MeSH D030342.

gnomAD v4.1: 7 of 1,611,236 alleles (0.00043%); highest among the groups gnomAD compares: African/African-American, 0.0093%; no homozygotes.

Submissions (2):

PreventionGenetics, part of Exact Sciences
Classification: Uncertain significance for TTC21B-related condition. Last evaluated: 2025-06-25. Review status: criteria provided, single submitter. Criteria: ACMG Guidelines, 2015. Collection method: clinical testing. Allele origin: germline.
Comment: The TTC21B c.2881C>T variant is predicted to result in the amino acid substitution p.Leu961Phe. To our knowledge, this variant has not been reported in the literature. This variant is reported in 0.018% of alleles in individuals of African descent in gnomAD. At this time, the clinical significance of this variant is uncertain due to the absence of conclusive functional and genetic evidence.

Ambry Genetics
Classification: Uncertain significance for Inborn genetic diseases. Last evaluated: 2024-08-26. Review status: criteria provided, single submitter. Criteria: Ambry Variant Classification Scheme 2023. Collection method: clinical testing. Allele origin: germline.